The following is an entry in ClinVar:

ClinVar aggregate classification (germline): Uncertain significance. Review status: criteria provided, multiple submitters, no conflicts (2 of 4 stars). 2 submissions from 2 submitters: Uncertain significance (2). Last evaluated 2023-04-24.

Conditions:
Cardiovascular phenotype. Identifiers: MedGen CN230736.
Hereditary cancer-predisposing syndrome. Also called: Neoplastic Syndromes, Hereditary; Hereditary Cancer Syndrome; Tumor predisposition; Hereditary neoplastic syndrome. Identifiers: Orphanet 140162, MedGen C0027672, MeSH D009386, MONDO:0015356.

Submissions (2):

Women's Health and Genetics/Laboratory Corporation of America, LabCorp
Classification: Uncertain significance. Last evaluated: 2023-04-24. Review status: criteria provided, single submitter. Criteria: LabCorp Variant Classification Summary - May 2015. Collection method: clinical testing. Allele origin: germline.
Comment: Variant summary: LZTR1 c.368C>T (p.Ala123Val) results in a non-conservative amino acid change in the encoded protein sequence. Five of five in-silico tools predict a damaging effect of the variant on protein function. The variant was absent in 251242 control chromosomes (gnomAD). The available data on variant occurrences in the general population are insufficient to allow any conclusion about variant significance. To our knowledge, no occurrence of c.368C>T in individuals affected with Noonan Syndrome and no experimental evidence demonstrating its impact on protein function have been reported. One clinical diagnostic laboratory has submitted clinical-significance assessments for this variant to ClinVar after 2014 and classified the variant as uncertain significance. Based on the evidence outlined above, the variant was classified as uncertain significance.

Ambry Genetics
Classification: Uncertain significance for Cardiovascular phenotype; Hereditary cancer-predisposing syndrome. Last evaluated: 2022-12-23. Review status: criteria provided, single submitter. Criteria: Ambry Variant Classification Scheme 2023. Collection method: clinical testing. Allele origin: germline.
Comment: The p.A123V variant (also known as c.368C>T), located in coding exon 4 of the LZTR1 gene, results from a C to T substitution at nucleotide position 368. The alanine at codon 123 is replaced by valine, an amino acid with similar properties. This amino acid position is conserved. In addition, the in silico prediction for this alteration is inconclusive. Since supporting evidence is limited at this time, the clinical significance of this alteration remains unclear.

NM_006767.4(LZTR1):c.368C>T (p.Ala123Val)

Gene: LZTR1 (leucine zipper like post translational regulator 1; plus strand). Cytogenetic location: 22q11.21.
Variant type: single nucleotide variant.
Coding change: c.368C>T on transcript NM_006767.4 (MANE Select); coding-DNA position 368, C replaced by T.
Protein change: p.Ala123Val; replaces alanine 123 with valine.
Molecular consequence: missense variant.
Genome position (GRCh38, 1-based): chr22:20,987,551, C>T. VCF-style: chr22-20987551-C-T. GRCh37 (hg19) VCF-style: chr22-21341840-C-T.
Other names: short protein forms A123V.
Identifiers: ClinVar variation 2447720 (VCV002447720.3), dbSNP rs2518612523, ClinGen allele CA410779365.